The following is an entry in ClinVar:

NM_001023570.4(IQCB1):c.64G>C (p.Glu22Gln)

Gene: IQCB1 (IQ motif containing B1; minus strand). Cytogenetic location: 3q13.33.
Variant type: single nucleotide variant.
Coding change: c.64G>C on transcript NM_001023570.4 (MANE Select); coding-DNA position 64, G replaced by C.
Protein change: p.Glu22Gln; replaces glutamic acid 22 with glutamine.
Molecular consequence: missense variant. On other transcripts: non-coding transcript variant (1).
Genome position (GRCh38, 1-based): chr3:121,828,897, C>G on the plus strand (G>C on the coding strand, the complement: IQCB1 is on the minus strand). VCF-style: chr3-121828897-C-G. GRCh37 (hg19) VCF-style: chr3-121547744-C-G.
Other names: c.64G>C, p.Glu22Gln (NM_001023571.4, NM_001319107.2); short protein forms E22Q.
Identifiers: ClinVar variation 1054090 (VCV001054090.9), dbSNP rs1473351493, ClinGen allele CA354114831.

ClinVar aggregate classification (germline): Uncertain significance. Review status: criteria provided, multiple submitters, no conflicts (2 of 4 stars). 2 submissions from 2 submitters: Uncertain significance (2). Last evaluated 2024-02-24.

Conditions:
Nephronophthisis. Also called: Juvenile Nephronophthisis. Identifiers: Orphanet 655, MedGen C0687120, MONDO:0019005, HP:0000090.

Allele frequency attached by ClinVar (database versions not stated): gnomAD exomes below 0.00001; TOPMed 0.00001.
gnomAD v4.1: 1 of 1,610,906 alleles (0.000062%); highest among the groups gnomAD compares: Non-Finnish European, 0.000085%; no homozygotes.

Submissions (2):

Labcorp Genetics (formerly Invitae), Labcorp
Classification: Uncertain significance for Nephronophthisis. Last evaluated: 2024-02-24. Review status: criteria provided, single submitter. Criteria: Invitae Variant Classification Sherloc (09022015). Collection method: clinical testing. Allele origin: germline.
Comment: This sequence change replaces glutamic acid, which is acidic and polar, with glutamine, which is neutral and polar, at codon 22 of the IQCB1 protein (p.Glu22Gln). This variant is present in population databases (no rsID available, gnomAD 0.0009%). This variant has not been reported in the literature in individuals affected with IQCB1-related conditions. ClinVar contains an entry for this variant (Variation ID: 1054090). Advanced modeling of protein sequence and biophysical properties (such as structural, functional, and spatial information, amino acid conservation, physicochemical variation, residue mobility, and thermodynamic stability) performed at Invitae indicates that this missense variant is not expected to disrupt IQCB1 protein function with a negative predictive value of 80%. In summary, the available evidence is currently insufficient to determine the role of this variant in disease. Therefore, it has been classified as a Variant of Uncertain Significance.

Blueprint Genetics
Classification: Uncertain significance. Last evaluated: 2019-11-24. Review status: criteria provided, single submitter. Criteria: ACMG Guidelines, 2015. Collection method: clinical testing. Allele origin: germline.